The following is an entry in ClinVar:

NM_001672.3(ASIP):c.129C>A (p.Asn43Lys)

Genes: AHCY (adenosylhomocysteinase; minus strand), ASIP (agouti signaling protein; plus strand). Cytogenetic location: 20q11.22.
Variant type: single nucleotide variant.
Coding change: c.129C>A on transcript NM_001672.3 (MANE Select); coding-DNA position 129, C replaced by A.
Protein change: p.Asn43Lys; replaces asparagine 43 with lysine.
Molecular consequence: missense variant.
Genome position (GRCh38, 1-based): chr20:34,260,503, C>A. VCF-style: chr20-34260503-C-A. GRCh37 (hg19) VCF-style: chr20-32848309-C-A.
Other names: c.129C>A, p.Asn43Lys (NM_001385218.1); short protein forms N43K.
Identifiers: ClinVar variation 4989640 (VCV004989640.1).
Genomic context (GRCh38, chr20:34,260,503, plus strand): 5'-CCTGCCACCTGAGGAGAAGCTCCGAGATGACAGGAGCCTGAGAAGCAACTCCTCTGTGAA[C>A]CTACTGGATGTCCCTTCTGTCTCTATTGTGGGTAAGTCACCTAGCCTCTGGGCTCTGGCC-3'
Protein context (NP_001663.2, residues 33-53): DRSLRSNSSV[Asn43Lys]LLDVPSVSIV

ClinVar aggregate classification (germline): Uncertain significance (1 of 4 stars; one submission).

Conditions:
ASIP-related condition.

gnomAD v4.1: 17 of 1,613,658 alleles (0.0011%); highest among the groups gnomAD compares: African/African-American, 0.0093%; no homozygotes.

Submission:

PreventionGenetics, part of Exact Sciences
Classification: Uncertain significance for ASIP-related condition. Last evaluated: 2026-05-06. Review status: criteria provided, single submitter. Criteria: ACMG Guidelines, 2015. Collection method: clinical testing. Allele origin: germline.
Comment: The ASIP c.129C>A variant is predicted to result in the amino acid substitution p.Asn43Lys. To our knowledge, this variant has not been reported in the literature. This variant is reported in 0.0056% of alleles in individuals of Latino descent in gnomAD. At this time, the clinical significance of this variant is uncertain due to the absence of conclusive functional and genetic evidence.